The following is an entry in ClinVar:

NM_006648.4(WNK2):c.2698C>A (p.His900Asn)

Gene: WNK2 (WNK lysine deficient protein kinase 2; plus strand). Cytogenetic location: 9q22.31.
Variant type: single nucleotide variant.
Coding change: c.2698C>A on transcript NM_006648.4 (MANE Select); coding-DNA position 2698, C replaced by A.
Protein change: p.His900Asn; replaces histidine 900 with asparagine.
Molecular consequence: missense variant.
Genome position (GRCh38, 1-based): chr9:93,259,246, C>A. VCF-style: chr9-93259246-C-A. GRCh37 (hg19) VCF-style: chr9-96021528-C-A.
Other names: c.2698C>A, p.His900Asn (NM_001282394.3); short protein forms H900N.
Identifiers: ClinVar variation 3982143 (VCV003982143.1).

ClinVar aggregate classification (germline): Uncertain significance (1 of 4 stars; one submission).

Submission:

Ambry Genetics
Classification: Uncertain significance. Last evaluated: 2025-05-31. Review status: criteria provided, single submitter. Criteria: Ambry Variant Classification Scheme 2023. Collection method: clinical testing. Allele origin: germline.
Comment: The p.H900N variant (also known as c.2698C>A), located in coding exon 11 of the WNK2 gene, results from a C to A substitution at nucleotide position 2698. The histidine at codon 900 is replaced by asparagine, an amino acid with similar properties. This amino acid position is conserved. In addition, this alteration is predicted to be tolerated by in silico analysis. Based on the available evidence, the clinical significance of this variant remains unclear.